The following is an entry in ClinVar:

ClinVar aggregate classification (germline): Uncertain significance (1 of 4 stars; one submission).

Conditions:
Hereditary cancer-predisposing syndrome. Also called: Neoplastic Syndromes, Hereditary; Tumor predisposition; Hereditary Cancer Syndrome; Hereditary neoplastic syndrome. Identifiers: Orphanet 140162, MedGen C0027672, MeSH D009386, MONDO:0015356.
Cardiovascular phenotype. Identifiers: MedGen CN230736.

Allele frequency attached by ClinVar (database versions not stated): gnomAD exomes below 0.00001.
gnomAD v4.1: 1 of 1,613,916 alleles (0.000062%); highest among the groups gnomAD compares: Non-Finnish European, 0.000085%; no homozygotes.

Submission:

Ambry Genetics
Classification: Uncertain significance for Cardiovascular phenotype; Hereditary cancer-predisposing syndrome. Last evaluated: 2022-07-10. Review status: criteria provided, single submitter. Criteria: Ambry Variant Classification Scheme 2023. Collection method: clinical testing. Allele origin: germline.
Comment: The p.P1303L variant (also known as c.3908C>T), located in coding exon 29 of the NF1 gene, results from a C to T substitution at nucleotide position 3908. The proline at codon 1303 is replaced by leucine, an amino acid with similar properties. This amino acid position is conserved. In addition, this alteration is predicted to be deleterious by in silico analysis. Since supporting evidence is limited at this time, the clinical significance of this alteration remains unclear.

NM_001042492.3(NF1):c.3908C>T (p.Pro1303Leu)

Gene: NF1 (neurofibromin 1; plus strand). Cytogenetic location: 17q11.2.
Variant type: single nucleotide variant.
Coding change: c.3908C>T on transcript NM_001042492.3 (MANE Select); coding-DNA position 3908, C replaced by T.
Protein change: p.Pro1303Leu; replaces proline 1303 with leucine.
Molecular consequence: missense variant.
Genome position (GRCh38, 1-based): chr17:31,235,955, C>T. VCF-style: chr17-31235955-C-T. GRCh37 (hg19) VCF-style: chr17-29562973-C-T.
Other names: c.3908C>T, p.Pro1303Leu (NM_000267.4); short protein forms P1303L.
Identifiers: ClinVar variation 1736074 (VCV001736074.2), dbSNP rs1597722962, ClinGen allele CA398993120.
Genomic context (GRCh38, chr17:31,235,955, plus strand): 5'-CTCCTATTCGTGCATTTCTGTAGGTATATGGTGCTACCTATCTACAAAAACTCCTGGATC[C>T]TTTATTACGAATTGTGATCACATCCTCTGATTGGCAACATGTTAGCTTTGAAGTGGATCC-3'
Protein context (NP_001035957.1, residues 1293-1313): GATYLQKLLD[Pro1303Leu]LLRIVITSSD